The following is an entry in ClinVar:

ClinVar aggregate classification (germline): Uncertain significance (1 of 4 stars; one submission).

Submission:

Labcorp Genetics (formerly Invitae), Labcorp
Classification: Uncertain significance. Last evaluated: 2022-01-06. Review status: criteria provided, single submitter. Criteria: Invitae Variant Classification Sherloc (09022015). Collection method: clinical testing. Allele origin: germline.
Comment: In summary, the available evidence is currently insufficient to determine the role of this variant in disease. Therefore, it has been classified as a Variant of Uncertain Significance. Algorithms developed to predict the effect of missense changes on protein structure and function (SIFT, PolyPhen-2, Align-GVGD) all suggest that this variant is likely to be disruptive. This variant is not present in population databases (gnomAD no frequency). This variant has not been reported in the literature in individuals affected with TUB-related conditions. ClinVar contains an entry for this variant (Variation ID: 1052059). This sequence change replaces leucine, which is neutral and non-polar, with proline, which is neutral and non-polar, at codon 541 of the TUB protein (p.Leu541Pro).

NM_177972.3(TUB):c.1457T>C (p.Leu486Pro)

Genes: RIC3 (RIC3 acetylcholine receptor chaperone; minus strand), TUB (TUB bipartite transcription factor; plus strand). Cytogenetic location: 11p15.4.
Variant type: single nucleotide variant.
Coding change: c.1457T>C on transcript NM_177972.3 (MANE Select); coding-DNA position 1457, T replaced by C.
Protein change: p.Leu486Pro; replaces leucine 486 with proline.
Molecular consequence: missense variant.
Genome position (GRCh38, 1-based): chr11:8,101,555, T>C. VCF-style: chr11-8101555-T-C. GRCh37 (hg19) VCF-style: chr11-8123102-T-C.
Other names: c.1622T>C, p.Leu541Pro (NM_003320.5); short protein forms L486P, L541P.
Identifiers: ClinVar variation 1052059 (VCV001052059.10), dbSNP rs2133920255, ClinGen allele CA379572621.
Genomic context (GRCh38, chr11:8,101,555, plus strand): 5'-TCGTGATGCAGTTTGGCCGGGTAGCAGAGGATGTGTTCACCATGGATTACAACTACCCGC[T>C]GTGTGCACTGCAGGCCTTTGCCATTGCCCTGTCCAGCTTCGACAGCAAGCTGGCGTGCGA-3'
Protein context (NP_813977.1, residues 476-496): DVFTMDYNYP[Leu486Pro]CALQAFAIAL